The following is an entry in ClinVar:

NM_000350.3(ABCA4):c.4621del (p.Leu1541_Ile1542insTer)

Gene: ABCA4 (ATP binding cassette subfamily A member 4; minus strand). Cytogenetic location: 1p22.1.
Variant type: Deletion.
Coding change: c.4621del on transcript NM_000350.3 (MANE Select); coding-DNA position 4621, one base deleted (C; older notation c.4621delC).
Protein change: p.Leu1541_Ile1542insTer.
Molecular consequence: frameshift variant. On other transcripts: nonsense (1).
Genome position (GRCh38, 1-based): chr1:94,024,967, G deleted on the plus strand (C on the coding strand, the reverse complement: ABCA4 is on the minus strand). VCF-style (leftmost placement, unchanged base first): chr1-94024966-AG-A. GRCh37 (hg19) VCF-style: chr1-94490522-AG-A.
Other names: c.4399delC, p.Ile1468Terfs (NM_001425324.1).
Identifiers: ClinVar variation 632120 (VCV000632120.11), dbSNP rs1557770132, ClinGen allele CA913189328.

ClinVar aggregate classification (germline): Pathogenic/Likely pathogenic. Review status: criteria provided, multiple submitters, no conflicts (2 of 4 stars). 2 submissions from 2 submitters: Pathogenic (1); Likely pathogenic (1). Last evaluated 2024-07-17.

Conditions:
ABCA4-related disorder. Also called: ABCA4-related disorders; ABCA4-related condition. Identifiers: MedGen CN239167.

Submissions (2):

Blueprint Genetics
Classification: Likely pathogenic for ABCA4-related disorders. Last evaluated: 2024-07-17. Review status: criteria provided, single submitter. Criteria: ACMG Guidelines, 2015. Collection method: clinical testing. Allele origin: germline. Affected: yes. Observed: 2 variant alleles.

Labcorp Genetics (formerly Invitae), Labcorp
Classification: Pathogenic. Last evaluated: 2020-09-25. Review status: criteria provided, single submitter. Criteria: Invitae Variant Classification Sherloc (09022015). Collection method: clinical testing. Allele origin: germline.
Comment: For these reasons, this variant has been classified as Pathogenic. Loss-of-function variants in ABCA4 are known to be pathogenic (PMID: 10958761, 24938718, 25312043, 26780318). This variant has not been reported in the literature in individuals with ABCA4-related conditions. ClinVar contains an entry for this variant (Variation ID: 632120). This variant is not present in population databases (ExAC no frequency). This sequence change creates a premature translational stop signal (p.Ile1542*) in the ABCA4 gene. It is expected to result in an absent or disrupted protein product.

Literature cited by the submitters: PubMed 10958761 (cited by Labcorp Genetics (formerly Invitae), Labcorp); PubMed 24938718 (cited by Labcorp Genetics (formerly Invitae), Labcorp); PubMed 25312043 (cited by Labcorp Genetics (formerly Invitae), Labcorp); PubMed 26780318 (cited by Labcorp Genetics (formerly Invitae), Labcorp).